The following is an entry in ClinVar:

ClinVar aggregate classification (germline): Uncertain significance (1 of 4 stars; one submission).

Submission:

Labcorp Genetics (formerly Invitae), Labcorp
Classification: Uncertain significance. Last evaluated: 2022-08-20. Review status: criteria provided, single submitter. Criteria: Invitae Variant Classification Sherloc (09022015). Collection method: clinical testing. Allele origin: germline.
Comment: In summary, the available evidence is currently insufficient to determine the role of this variant in disease. Therefore, it has been classified as a Variant of Uncertain Significance. Algorithms developed to predict the effect of missense changes on protein structure and function are either unavailable or do not agree on the potential impact of this missense change (SIFT: "Tolerated"; PolyPhen-2: "Possibly Damaging"; Align-GVGD: "Class C0"). This variant has not been reported in the literature in individuals affected with HES7-related conditions. This variant is not present in population databases (gnomAD no frequency). This sequence change replaces glutamic acid, which is acidic and polar, with lysine, which is basic and polar, at codon 60 of the HES7 protein (p.Glu60Lys).

NM_001165967.2(HES7):c.178G>A (p.Glu60Lys)

Gene: HES7 (hes family bHLH transcription factor 7; minus strand). Cytogenetic location: 17p13.1.
Variant type: single nucleotide variant.
Coding change: c.178G>A on transcript NM_001165967.2 (MANE Select); coding-DNA position 178, G replaced by A.
Protein change: p.Glu60Lys; replaces glutamic acid 60 with lysine.
Molecular consequence: missense variant.
Genome position (GRCh38, 1-based): chr17:8,122,391, C>T on the plus strand (G>A on the coding strand, the complement: HES7 is on the minus strand). VCF-style: chr17-8122391-C-T. GRCh37 (hg19) VCF-style: chr17-8025709-C-T.
Other names: c.178G>A, p.Glu60Lys (NM_032580.4); short protein forms E60K.
Identifiers: ClinVar variation 2078898 (VCV002078898.4), dbSNP rs201434695, ClinGen allele CA397989499.